The following is an entry in ClinVar:

ClinVar aggregate classification (germline): Uncertain significance. Review status: criteria provided, multiple submitters, no conflicts (2 of 4 stars). 2 submissions from 2 submitters: Uncertain significance (2). Last evaluated 2025-05-01.

Conditions:
Familial cold autoinflammatory syndrome 2 (FCAS2). Identifiers: Orphanet 247868, MedGen C2673198, MONDO:0012724, OMIM 611762.

Submissions (2):

CeGaT Center for Human Genetics Tuebingen
Classification: Uncertain significance. Last evaluated: 2025-05-01. Review status: criteria provided, single submitter. Criteria: CeGaT Center For Human Genetics Tuebingen Variant Classification Criteria Version 2. Collection method: clinical testing. Allele origin: germline. Affected: yes. Observed: 1 variant allele.
Comment: NLRP12: PM2, BP4

Labcorp Genetics (formerly Invitae), Labcorp
Classification: Uncertain significance for Familial cold autoinflammatory syndrome 2. Last evaluated: 2022-09-19. Review status: criteria provided, single submitter. Criteria: Invitae Variant Classification Sherloc (09022015). Collection method: clinical testing. Allele origin: germline.
Comment: Advanced modeling of protein sequence and biophysical properties (such as structural, functional, and spatial information, amino acid conservation, physicochemical variation, residue mobility, and thermodynamic stability) has been performed at Invitae for this missense variant, however the output from this modeling did not meet the statistical confidence thresholds required to predict the impact of this variant on NLRP12 protein function. In summary, the available evidence is currently insufficient to determine the role of this variant in disease. Therefore, it has been classified as a Variant of Uncertain Significance. ClinVar contains an entry for this variant (Variation ID: 1035449). This sequence change replaces leucine, which is neutral and non-polar, with valine, which is neutral and non-polar, at codon 762 of the NLRP12 protein (p.Leu762Val). This variant is not present in population databases (gnomAD no frequency). This variant has not been reported in the literature in individuals affected with NLRP12-related conditions.

NM_144687.4(NLRP12):c.2284C>G (p.Leu762Val)

Gene: NLRP12 (NLR family pyrin domain containing 12; minus strand). Cytogenetic location: 19q13.42.
Variant type: single nucleotide variant.
Coding change: c.2284C>G on transcript NM_144687.4 (MANE Select); coding-DNA position 2284, C replaced by G.
Protein change: p.Leu762Val; replaces leucine 762 with valine.
Molecular consequence: missense variant.
Genome position (GRCh38, 1-based): chr19:53,805,410, G>C on the plus strand (C>G on the coding strand, the complement: NLRP12 is on the minus strand). VCF-style: chr19-53805410-G-C. GRCh37 (hg19) VCF-style: chr19-54308664-G-C.
Other names: c.2287C>G, p.Leu763Val (NM_001277126.2); c.2284C>G, p.Leu762Val (NM_001277129.1); short protein forms L763V, L762V.
Identifiers: ClinVar variation 1035449 (VCV001035449.18), dbSNP rs752188739, ClinGen allele CA407410644.